The following is an entry in ClinVar:

ClinVar aggregate classification (germline): Uncertain significance. Review status: criteria provided, multiple submitters, no conflicts (2 of 4 stars). 2 submissions from 2 submitters: Uncertain significance (2). Last evaluated 2022-03-31.

Conditions:
Autosomal recessive nonsyndromic hearing loss 77. Identifiers: Orphanet 90636, MedGen C2746083, MONDO:0013119, OMIM 613079.

Allele frequency attached by ClinVar (database versions not stated): gnomAD 0.00001; TOPMed 0.00001.
gnomAD v4.1: 6 of 1,551,580 alleles (0.00039%); highest among the groups gnomAD compares: East Asian, 0.015%; no homozygotes.

Submissions (2):

GeneDx
Classification: Uncertain significance. Last evaluated: 2022-03-31. Review status: criteria provided, single submitter. Criteria: GeneDx Variant Classification Process June 2021. Collection method: clinical testing. Allele origin: germline. Affected: yes.
Comment: Identified with a second LOXHD1 variant in an individual with congenital SNHL, however the patient also harbored a de novo pathogenic variant in the PTPN11 gene (Gao et al., 2020); Not observed at significant frequency in large population cohorts (gnomAD); In silico analysis supports that this missense variant does not alter protein structure/function; This variant is associated with the following publications: (PMID: 32737134)

Genetic Testing Center for Deafness, Department of Otolaryngology Head & Neck Surgery, Institute of Otolaryngology, Chinese PLA General Hospital
Classification: Uncertain significance for Autosomal recessive nonsyndromic hearing loss 77. Review status: criteria provided, single submitter. Criteria: ClinGen HL ACMG Specifications v1. Collection method: case-control. Allele origin: paternal. Observed: 2 variant alleles.

NM_001384474.1(LOXHD1):c.944A>G (p.Lys315Arg)

Gene: LOXHD1 (lipoxygenase homology PLAT domains 1; minus strand). Cytogenetic location: 18q21.1.
Variant type: single nucleotide variant.
Coding change: c.944A>G on transcript NM_001384474.1 (MANE Select); coding-DNA position 944, A replaced by G.
Protein change: p.Lys315Arg; replaces lysine 315 with arginine.
Molecular consequence: missense variant.
Genome position (GRCh38, 1-based): chr18:46,601,407, T>C on the plus strand (A>G on the coding strand, the complement: LOXHD1 is on the minus strand). VCF-style: chr18-46601407-T-C. GRCh37 (hg19) VCF-style: chr18-44181370-T-C.
Other names: c.944A>G, p.Lys315Arg (NM_144612.7); short protein forms K315R.
Identifiers: ClinVar variation 689609 (VCV000689609.3), dbSNP rs1279719056, ClinGen allele CA402381970.